The following is an entry in ClinVar:

ClinVar aggregate classification (germline): Uncertain significance (1 of 4 stars; one submission).

Allele frequency attached by ClinVar (database versions not stated): ExAC 0.00001; gnomAD 0.00001; gnomAD exomes 0.00001; TOPMed 0.00001.
gnomAD v4.1: 9 of 1,609,442 alleles (0.00056%); highest among the groups gnomAD compares: Non-Finnish European, 0.00076%; no homozygotes.

Submission:

Labcorp Genetics (formerly Invitae), Labcorp
Classification: Uncertain significance. Last evaluated: 2024-10-03. Review status: criteria provided, single submitter. Criteria: Invitae Variant Classification Sherloc (09022015). Collection method: clinical testing. Allele origin: germline.
Comment: This sequence change replaces asparagine, which is neutral and polar, with threonine, which is neutral and polar, at codon 158 of the ANLN protein (p.Asn158Thr). This variant is present in population databases (rs754293266, gnomAD 0.002%). This variant has not been reported in the literature in individuals affected with ANLN-related conditions. ClinVar contains an entry for this variant (Variation ID: 1922805). An algorithm developed to predict the effect of missense changes on protein structure and function (PolyPhen-2) suggests that this variant is likely to be tolerated. In summary, the available evidence is currently insufficient to determine the role of this variant in disease. Therefore, it has been classified as a Variant of Uncertain Significance.

NM_018685.5(ANLN):c.473A>C (p.Asn158Thr)

Gene: ANLN (anillin, actin binding protein; plus strand). Cytogenetic location: 7p14.2.
Variant type: single nucleotide variant.
Coding change: c.473A>C on transcript NM_018685.5 (MANE Select); coding-DNA position 473, A replaced by C.
Protein change: p.Asn158Thr; replaces asparagine 158 with threonine.
Molecular consequence: missense variant.
Genome position (GRCh38, 1-based): chr7:36,399,379, A>C. VCF-style: chr7-36399379-A-C. GRCh37 (hg19) VCF-style: chr7-36438988-A-C.
Other names: c.473A>C, p.Asn158Thr (NM_001284301.3, NM_001284302.3); short protein forms N158T.
Identifiers: ClinVar variation 1922805 (VCV001922805.5), dbSNP rs754293266, ClinGen allele CA4219350.